The following is an entry in ClinVar:

ClinVar aggregate classification (germline): Uncertain significance. Review status: criteria provided, multiple submitters, no conflicts (2 of 4 stars). 4 submissions from 4 submitters: Uncertain significance (4). Last evaluated 2025-08-26.

Conditions:
Hypokalemic periodic paralysis, type 1. Also called: HypoPP; Hypokalemic Periodic Paralysis Type 1 (AD). Identifiers: Orphanet 681, MedGen C3714580, MONDO:0042979, OMIM 170400.
Malignant hyperthermia, susceptibility to, 5 (MHS5). Also called: CACNA1S-Related Malignant Hyperthermia Susceptibility. Identifiers: Orphanet 423, MedGen C1866077, MONDO:0011163, OMIM 601887.

Submissions (4):

Color Diagnostics, LLC DBA Color Health
Classification: Uncertain significance for Malignant hyperthermia, susceptibility to, 5. Last evaluated: 2025-08-26. Review status: criteria provided, single submitter. Criteria: ACMG Guidelines, 2015. Collection method: clinical testing. Allele origin: germline.
Comment: This variant inserts one nucleotide at the +2 position in intron 26 of the CACNA1S gene. Splice site prediction tools suggest that this variant may have a significant impact on RNA splicing. This variant has not been reported in individuals affected with CACNA1S-related disorders in the literature. This variant has not been identified in the general population by the Genome Aggregation Database (gnomAD). Due to insufficient evidence, this variant is classified as a Variant of Uncertain Significance for autosomal dominant malignant hyperthermia.

Mayo Clinic Laboratories, Mayo Clinic
Classification: Uncertain significance. Last evaluated: 2023-06-05. Review status: criteria provided, single submitter. Criteria: ACMG Guidelines, 2015. Collection method: clinical testing. Allele origin: germline. Observed: 1 variant allele.
Comment: PP3, PM2

All of Us Research Program, National Institutes of Health
Classification: Uncertain significance for Malignant hyperthermia, susceptibility to, 5. Last evaluated: 2023-05-16. Review status: criteria provided, single submitter. Criteria: ACMG Guidelines, 2015. Collection method: clinical testing. Allele origin: germline. Inheritance: Autosomal dominant inheritance. Observed: 1 variant allele, 1 heterozygote.
Comment: This variant inserts one nucleotide at the +2 position in intron 26 of the CACNA1S gene. Splice site prediction tools suggest that this variant may have a significant impact on RNA splicing. This variant has not been reported in individuals affected with CACNA1S-related disorders in the literature. This variant has not been identified in the general population by the Genome Aggregation Database (gnomAD). Due to insufficient evidence, this variant is classified as a Variant of Uncertain Significance for autosomal dominant malignant hyperthermia.

This study involves interpretation of variants in research participants for the purpose of population health screening. Participant phenotype was not available at the time of variant classification. Additional details can be found in publication PMID: 35346344, PMCID: PMC8962531

Labcorp Genetics (formerly Invitae), Labcorp
Classification: Uncertain significance for Hypokalemic periodic paralysis, type 1; Malignant hyperthermia, susceptibility to, 5. Last evaluated: 2022-07-25. Review status: criteria provided, single submitter. Criteria: Invitae Variant Classification Sherloc (09022015). Collection method: clinical testing. Allele origin: germline.
Comment: In summary, the available evidence is currently insufficient to determine the role of this variant in disease. Therefore, it has been classified as a Variant of Uncertain Significance. Variants that disrupt the consensus splice site are a relatively common cause of aberrant splicing (PMID: 17576681, 9536098). Algorithms developed to predict the effect of sequence changes on RNA splicing suggest that this variant may disrupt the consensus splice site. ClinVar contains an entry for this variant (Variation ID: 1036074). This variant has not been reported in the literature in individuals affected with CACNA1S-related conditions. This variant is not present in population databases (gnomAD no frequency). This sequence change falls in intron 26 of the CACNA1S gene. It does not directly change the encoded amino acid sequence of the CACNA1S protein. It affects a nucleotide within the consensus splice site.

Literature cited by the submitters: PubMed 17576681 (cited by Labcorp Genetics (formerly Invitae), Labcorp); PubMed 9536098 (cited by Labcorp Genetics (formerly Invitae), Labcorp).

NM_000069.3(CACNA1S):c.3414+2dup

Gene: CACNA1S (calcium voltage-gated channel subunit alpha1 S; minus strand). Cytogenetic location: 1q32.1.
Variant type: Duplication.
Coding change: c.3414+2dup on transcript NM_000069.3 (MANE Select); the canonical splice donor site of the intron after coding-DNA position 3414, one base duplicated (T; older notation c.3414+2dupT).
Molecular consequence: splice donor variant.
Genome position (GRCh38, 1-based): chr1:201,060,656, A duplicated on the plus strand (T on the coding strand, the reverse complement: CACNA1S is on the minus strand). VCF-style (leftmost placement, unchanged base first): chr1-201060655-T-TA. GRCh37 (hg19) VCF-style: chr1-201029783-T-TA.
Identifiers: ClinVar variation 1036074 (VCV001036074.12), dbSNP rs1661012107, ClinGen allele CA1219578578.